The following is an entry in ClinVar:

NM_001365276.2(TNXB):c.4376-15C>T

Gene: TNXB (tenascin XB; minus strand). Cytogenetic location: 6p21.33.
Variant type: single nucleotide variant.
Coding change: c.4376-15C>T on transcript NM_001365276.2 (MANE Select); 15 bases into the intron before coding-DNA position 4376, C replaced by T.
Molecular consequence: intron variant.
Genome position (GRCh38, 1-based): chr6:32,073,967, G>A on the plus strand (C>T on the coding strand, the complement: TNXB is on the minus strand). VCF-style: chr6-32073967-G-A. GRCh37 (hg19) VCF-style: chr6-32041744-G-A.
Other names: c.4376-15C>T (NM_019105.8); c.5117-15C>T (NM_001428335.1).
Identifiers: ClinVar variation 4689477 (VCV004689477.1).

ClinVar aggregate classification (germline): Likely benign (1 of 4 stars; one submission).

Submission:

Women's Health and Genetics/Laboratory Corporation of America, LabCorp
Classification: Likely benign. Last evaluated: 2026-01-12. Review status: criteria provided, single submitter. Criteria: LabCorp Variant Classification Summary - May 2015. Collection method: clinical testing. Allele origin: germline.
Comment: Variant summary: TNXB c.4376-15C>T alters a nucleotide located at a position not widely known to affect splicing. Consensus agreement among computation tools predict no significant impact on normal splicing. However, these predictions have yet to be confirmed by functional studies. The frequency data for this variant in gnomAD is considered unreliable, as metrics indicate poor data quality at this position. To our knowledge, no occurrence of c.4376-15C>T in individuals affected with TNXB-related conditions and no experimental evidence demonstrating its impact on protein function have been reported. No submitters have cited clinical-significance assessments for this variant to ClinVar. Based on the evidence outlined above, the variant was classified as likely benign.